The following is an entry in ClinVar:

NM_005334.3(HCFC1):c.3495G>C (p.Gln1165His)

Gene: HCFC1 (host cell factor C1; minus strand). Cytogenetic location: Xq28.
Variant type: single nucleotide variant.
Coding change: c.3495G>C on transcript NM_005334.3 (MANE Select); coding-DNA position 3495, G replaced by C.
Protein change: p.Gln1165His; replaces glutamine 1165 with histidine.
Molecular consequence: missense variant.
Genome position (GRCh38, 1-based): chrX:153,954,904, C>G on the plus strand (G>C on the coding strand, the complement: HCFC1 is on the minus strand). VCF-style: chrX-153954904-C-G. GRCh37 (hg19) VCF-style: chrX-153220355-C-G.
Other names: short protein forms Q1165H.
Identifiers: ClinVar variation 841571 (VCV000841571.37), dbSNP rs373327413, ClinGen allele CA10557183.

ClinVar aggregate classification (germline): Conflicting classifications of pathogenicity. Review status: criteria provided, conflicting classifications (1 of 4 stars). 4 submissions from 4 submitters: Uncertain significance (2); Likely benign (2). Last evaluated 2025-07-12.

Conditions:
Inborn genetic diseases. Identifiers: MedGen C0950123, MeSH D030342.
Methylmalonic acidemia with homocystinuria, type cblX (MAHCX). Also called: INTELLECTUAL DEVELOPMENTAL DISORDER, X-LINKED 3. Identifiers: Orphanet 369962, MedGen C0796208, MONDO:0010657, OMIM 309541.

Allele frequency attached by ClinVar (database versions not stated): TOPMed 0.00003; gnomAD 0.00004; gnomAD exomes 0.00008; ESP Exome Variant Server 0.00010; 1000 Genomes Project 30x 0.00021; 1000 Genomes Project 0.00026; ExAC 0.00032.
gnomAD v4.1: 50 of 1,168,173 alleles (0.0043%); highest among the groups gnomAD compares: Middle Eastern, 0.084%; no homozygotes.

Submissions (4):

Ambry Genetics
Classification: Likely benign for Inborn genetic diseases. Last evaluated: 2025-07-12. Review status: criteria provided, single submitter. Criteria: Ambry Variant Classification Scheme 2023. Collection method: clinical testing. Allele origin: germline.

Revvity Omics, Revvity
Classification: Uncertain significance for Methylmalonic acidemia with homocystinuria, type cblX. Last evaluated: 2024-04-16. Review status: criteria provided, single submitter. Criteria: ACMG Guidelines, 2015. Collection method: clinical testing. Allele origin: germline.

Labcorp Genetics (formerly Invitae), Labcorp
Classification: Likely benign for Methylmalonic acidemia with homocystinuria, type cblX. Last evaluated: 2024-03-08. Review status: criteria provided, single submitter. Criteria: Invitae Variant Classification Sherloc (09022015). Collection method: clinical testing. Allele origin: germline.

CeGaT Center for Human Genetics Tuebingen
Classification: Uncertain significance. Last evaluated: 2022-04-01. Review status: criteria provided, single submitter. Criteria: CeGaT Center For Human Genetics Tuebingen Variant Classification Criteria Version 2. Collection method: clinical testing. Allele origin: germline. Affected: yes. Observed: 1 variant allele.
Comment: HCFC1: PP2, BP4